The following is an entry in ClinVar:

NM_025132.4(WDR19):c.2646-2A>G

Gene: WDR19 (WD repeat domain 19; plus strand). Cytogenetic location: 4p14.
Variant type: single nucleotide variant.
Coding change: c.2646-2A>G on transcript NM_025132.4 (MANE Select); the canonical splice acceptor site of the intron before coding-DNA position 2646, A replaced by G.
Molecular consequence: splice acceptor variant.
Genome position (GRCh38, 1-based): chr4:39,245,367, A>G. VCF-style: chr4-39245367-A-G. GRCh37 (hg19) VCF-style: chr4-39246987-A-G.
Other names: c.2166-2A>G (NM_001317924.2).
Identifiers: ClinVar variation 985152 (VCV000985152.9), dbSNP rs890152763, ClinGen allele CA356638954.
Genomic context (GRCh38, chr4:39,245,367, plus strand): 5'-TAGCAGGCTACTTTTGGAGTGAACACAGTACTCATACTGTTCTCCTGGACCTACCTTTCC[A>G]GGGCAAAAGTTGGTGATCTTCTGCCCCACGTTTCTTCTCCTAAGATCCATTTGCAGTATG-3'

ClinVar aggregate classification (germline): Likely pathogenic. Review status: criteria provided, multiple submitters, no conflicts (2 of 4 stars). 2 submissions from 2 submitters: Likely pathogenic (2). Last evaluated 2022-08-23.

Conditions:
Asphyxiating thoracic dystrophy 5 (SRTD5). Also called: SHORT-RIB THORACIC DYSPLASIA 5 WITH OR WITHOUT POLYDACTYLY; SHORT-RIB THORACIC DYSPLASIA 5 WITHOUT POLYDACTYLY. Identifiers: Orphanet 474, MedGen C3280598, MONDO:0013717, OMIM 614376.
Senior-Loken syndrome 8 (SLSN8). Identifiers: Orphanet 3156, MedGen C4225376, MONDO:0014579, OMIM 616307.
Inborn genetic diseases. Identifiers: MedGen C0950123, MeSH D030342.

Submissions (2):

Labcorp Genetics (formerly Invitae), Labcorp
Classification: Likely pathogenic for Senior-Loken syndrome 8; Asphyxiating thoracic dystrophy 5. Last evaluated: 2022-08-23. Review status: criteria provided, single submitter. Criteria: Invitae Variant Classification Sherloc (09022015). Collection method: clinical testing. Allele origin: germline.
Comment: ClinVar contains an entry for this variant (Variation ID: 985152). In summary, the currently available evidence indicates that the variant is pathogenic, but additional data are needed to prove that conclusively. Therefore, this variant has been classified as Likely Pathogenic. Algorithms developed to predict the effect of sequence changes on RNA splicing suggest that this variant may disrupt the consensus splice site. This variant has not been reported in the literature in individuals affected with WDR19-related conditions. This variant is not present in population databases (gnomAD no frequency). This sequence change affects an acceptor splice site in intron 23 of the WDR19 gene. It is expected to disrupt RNA splicing. Variants that disrupt the donor or acceptor splice site typically lead to a loss of protein function (PMID: 16199547), and loss-of-function variants in WDR19 are known to be pathogenic (PMID: 22019273, 23559409, 23683095, 26275793, 27241786, 29068549).

Ambry Genetics
Classification: Likely pathogenic for Inborn genetic diseases. Last evaluated: 2017-04-06. Review status: criteria provided, single submitter. Criteria: Ambry exome assertion method (8-5-2015). Collection method: clinical testing. Allele origin: germline. Affected: yes. Observed: 1 variant allele.

Literature cited by the submitters: PubMed 16199547 (cited by Labcorp Genetics (formerly Invitae), Labcorp); PubMed 22019273 (cited by Labcorp Genetics (formerly Invitae), Labcorp); PubMed 23559409 (cited by Labcorp Genetics (formerly Invitae), Labcorp); PubMed 23683095 (cited by Labcorp Genetics (formerly Invitae), Labcorp); PubMed 26275793 (cited by Labcorp Genetics (formerly Invitae), Labcorp); PubMed 27241786 (cited by Labcorp Genetics (formerly Invitae), Labcorp); PubMed 29068549 (cited by Labcorp Genetics (formerly Invitae), Labcorp).